The following is an entry in ClinVar:

ClinVar aggregate classification (germline): Pathogenic (1 of 4 stars; one submission).

Conditions:
Vici syndrome (VICIS). Identifiers: Orphanet 1493, MedGen C1855772, MONDO:0009452, OMIM 242840.

Allele frequency attached by ClinVar (database versions not stated): gnomAD exomes below 0.00001; ExAC 0.00001; gnomAD 0.00001.
gnomAD v4.1: 1 of 1,613,796 alleles (0.000062%); highest among the groups gnomAD compares: African/African-American, 0.0013%; no homozygotes.

Submission:

Labcorp Genetics (formerly Invitae), Labcorp
Classification: Pathogenic for Vici syndrome. Last evaluated: 2023-10-03. Review status: criteria provided, single submitter. Criteria: Invitae Variant Classification Sherloc (09022015). Collection method: clinical testing. Allele origin: germline.
Comment: This sequence change creates a premature translational stop signal (p.Ser817*) in the EPG5 gene. It is expected to result in an absent or disrupted protein product. Loss-of-function variants in EPG5 are known to be pathogenic (PMID: 23222957, 23674064). The frequency data for this variant in the population databases is considered unreliable, as metrics indicate poor data quality at this position in the gnomAD database. This variant has not been reported in the literature in individuals affected with EPG5-related conditions. ClinVar contains an entry for this variant (Variation ID: 1413281). For these reasons, this variant has been classified as Pathogenic.

Literature cited by the submitters: PubMed 23222957; PubMed 23674064.

NM_020964.3(EPG5):c.2450C>A (p.Ser817Ter)

Gene: EPG5 (ectopic P-granules 5 autophagy tethering factor; minus strand). Cytogenetic location: 18q21.1.
Variant type: single nucleotide variant.
Coding change: c.2450C>A on transcript NM_020964.3 (MANE Select); coding-DNA position 2450, C replaced by A.
Protein change: p.Ser817Ter; replaces serine 817 with a stop codon.
Molecular consequence: nonsense.
Genome position (GRCh38, 1-based): chr18:45,928,972, G>T on the plus strand (C>A on the coding strand, the complement: EPG5 is on the minus strand). VCF-style: chr18-45928972-G-T. GRCh37 (hg19) VCF-style: chr18-43508938-G-T.
Other names: short protein forms S817*.
Identifiers: ClinVar variation 1413281 (VCV001413281.7), dbSNP rs908790331, ClinGen allele CA8949422.